The following is an entry in ClinVar:

ClinVar aggregate classification (germline): Uncertain significance (1 of 4 stars; one submission).

Conditions:
Familial infantile myasthenia (CMS6). Also called: Congenital myasthenic syndrome type 6; MYASTHENIC SYNDROME, PRESYNAPTIC, CONGENITAL, ASSOCIATED WITH EPISODIC APNEA; MYASTHENIC SYNDROME, CONGENITAL, 6, PRESYNAPTIC. Identifiers: Orphanet 590, MedGen C0393929, MONDO:0009689, OMIM 254210.

Allele frequency attached by ClinVar (database versions not stated): TOPMed below 0.00001; gnomAD 0.00001.
gnomAD v4.1: 1 of 1,613,980 alleles (0.000062%); highest among the groups gnomAD compares: African/African-American, 0.0013%; no homozygotes.

Submission:

Labcorp Genetics (formerly Invitae), Labcorp
Classification: Uncertain significance for Familial infantile myasthenia. Last evaluated: 2022-02-24. Review status: criteria provided, single submitter. Criteria: Invitae Variant Classification Sherloc (09022015). Collection method: clinical testing. Allele origin: germline.
Comment: In summary, the available evidence is currently insufficient to determine the role of this variant in disease. Therefore, it has been classified as a Variant of Uncertain Significance. Advanced modeling of protein sequence and biophysical properties (such as structural, functional, and spatial information, amino acid conservation, physicochemical variation, residue mobility, and thermodynamic stability) performed at Invitae indicates that this missense variant is not expected to disrupt CHAT protein function. ClinVar contains an entry for this variant (Variation ID: 841099). This variant has not been reported in the literature in individuals affected with CHAT-related conditions. This variant is not present in population databases (gnomAD no frequency). This sequence change replaces lysine, which is basic and polar, with glutamic acid, which is acidic and polar, at codon 601 of the CHAT protein (p.Lys601Glu).

NM_020549.5(CHAT):c.1801A>G (p.Lys601Glu)

Gene: CHAT (choline O-acetyltransferase; plus strand). Cytogenetic location: 10q11.23.
Variant type: single nucleotide variant.
Coding change: c.1801A>G on transcript NM_020549.5 (MANE Select); coding-DNA position 1801, A replaced by G.
Protein change: p.Lys601Glu; replaces lysine 601 with glutamic acid.
Molecular consequence: missense variant.
Genome position (GRCh38, 1-based): chr10:49,655,410, A>G. VCF-style: chr10-49655410-A-G. GRCh37 (hg19) VCF-style: chr10-50863456-A-G.
Other names: c.1447A>G, p.Lys483Glu (NM_001142929.2, NM_001142934.2, NM_020984.4 and 2 more transcripts); c.1555A>G, p.Lys519Glu (NM_001142933.2); short protein forms K519E, K601E, K483E.
Identifiers: ClinVar variation 841099 (VCV000841099.9), dbSNP rs1399092731, ClinGen allele CA376748617.